The following is an entry in ClinVar:

NM_182943.3(PLOD2):c.1139G>A (p.Arg380His)

Gene: PLOD2 (procollagen-lysine,2-oxoglutarate 5-dioxygenase 2; minus strand). Cytogenetic location: 3q24.
Variant type: single nucleotide variant.
Coding change: c.1139G>A on transcript NM_182943.3 (MANE Select); coding-DNA position 1139, G replaced by A.
Protein change: p.Arg380His; replaces arginine 380 with histidine.
Molecular consequence: missense variant.
Genome position (GRCh38, 1-based): chr3:146,085,262, C>T on the plus strand (G>A on the coding strand, the complement: PLOD2 is on the minus strand). VCF-style: chr3-146085262-C-T. GRCh37 (hg19) VCF-style: chr3-145803049-C-T.
Other names: c.1139G>A, p.Arg380His (NM_000935.3); short protein forms R380H.
Identifiers: ClinVar variation 2173427 (VCV002173427.3), dbSNP rs144110908, ClinGen allele CA2654981.

ClinVar aggregate classification (germline): Uncertain significance (1 of 4 stars; one submission).

Allele frequency attached by ClinVar (database versions not stated): TOPMed 0.00003; gnomAD 0.00005; ESP Exome Variant Server 0.00015.
gnomAD v4.1: 22 of 1,579,082 alleles (0.0014%); highest among the groups gnomAD compares: African/African-American, 0.011%; no homozygotes.

Submission:

Labcorp Genetics (formerly Invitae), Labcorp
Classification: Uncertain significance. Last evaluated: 2024-10-29. Review status: criteria provided, single submitter. Criteria: Invitae Variant Classification Sherloc (09022015). Collection method: clinical testing. Allele origin: germline.
Comment: This sequence change replaces arginine, which is basic and polar, with histidine, which is basic and polar, at codon 380 of the PLOD2 protein (p.Arg380His). This variant is present in population databases (rs144110908, gnomAD 0.02%). This variant has not been reported in the literature in individuals affected with PLOD2-related conditions. ClinVar contains an entry for this variant (Variation ID: 2173427). Invitae Evidence Modeling of protein sequence and biophysical properties (such as structural, functional, and spatial information, amino acid conservation, physicochemical variation, residue mobility, and thermodynamic stability) indicates that this missense variant is expected to disrupt PLOD2 protein function with a positive predictive value of 80%. This variant disrupts the p.Arg380 amino acid residue in PLOD2. Other variant(s) that disrupt this residue have been determined to be pathogenic (PMID: 29177700, 37270749). This suggests that this residue is clinically significant, and that variants that disrupt this residue are likely to be disease-causing. In summary, the available evidence is currently insufficient to determine the role of this variant in disease. Therefore, it has been classified as a Variant of Uncertain Significance.

Literature cited by the submitters: PubMed 29177700; PubMed 37270749.